The following is an entry in ClinVar:

ClinVar aggregate classification (germline): Uncertain significance (1 of 4 stars; one submission).

Allele frequency attached by ClinVar (database versions not stated): TOPMed below 0.00001; gnomAD 0.00001.
gnomAD v4.1: 2 of 1,609,870 alleles (0.00012%); highest among the groups gnomAD compares: Non-Finnish European, 0.00017%; no homozygotes.

Submission:

Labcorp Genetics (formerly Invitae), Labcorp
Classification: Uncertain significance. Last evaluated: 2021-08-03. Review status: criteria provided, single submitter. Criteria: Invitae Variant Classification Sherloc (09022015). Collection method: clinical testing. Allele origin: germline.
Comment: In summary, the available evidence is currently insufficient to determine the role of this variant in disease. Therefore, it has been classified as a Variant of Uncertain Significance. This variant is not present in population databases (ExAC no frequency). This sequence change replaces alanine with threonine at codon 313 of the ARHGEF1 protein (p.Ala313Thr). The alanine residue is weakly conserved and there is a small physicochemical difference between alanine and threonine. This variant has not been reported in the literature in individuals affected with ARHGEF1-related conditions. Algorithms developed to predict the effect of missense changes on protein structure and function (SIFT, PolyPhen-2, Align-GVGD) all suggest that this variant is likely to be tolerated.

NM_004706.4(ARHGEF1):c.892G>A (p.Ala298Thr)

Gene: ARHGEF1 (Rho guanine nucleotide exchange factor 1; plus strand). Cytogenetic location: 19q13.2.
Variant type: single nucleotide variant.
Coding change: c.892G>A on transcript NM_004706.4 (MANE Select); coding-DNA position 892, G replaced by A.
Protein change: p.Ala298Thr; replaces alanine 298 with threonine.
Molecular consequence: missense variant.
Genome position (GRCh38, 1-based): chr19:41,895,363, G>A. VCF-style: chr19-41895363-G-A. GRCh37 (hg19) VCF-style: chr19-42399436-G-A.
Other names: c.793G>A, p.Ala265Thr (NM_198977.2); c.937G>A, p.Ala313Thr (NM_199002.2); short protein forms A298T, A265T, A313T.
Identifiers: ClinVar variation 1372172 (VCV001372172.6), dbSNP rs1229461008, ClinGen allele CA406054283.
Genomic context (GRCh38, chr19:41,895,363, plus strand): 5'-GTTACTGTTCTCTTATCTCCCTCTTTCTCCCTCACTGTCTCCCCAGCCGAGAAGCCAGGT[G>A]CTACAGACCGGAAGGGAGGCGTGGGGATGCCCTCTCGGGACCGGAATATCGGGGCTCCTG-3'
Protein context (NP_004697.2, residues 288-308): KAEVDAEKPG[Ala298Thr]TDRKGGVGMP